The following is an entry in ClinVar:

NM_005297.4(MCHR1):c.-129G>C

Gene: MCHR1 (melanin concentrating hormone receptor 1; plus strand). Cytogenetic location: 22q13.2.
Variant type: single nucleotide variant.
Coding change: c.-129G>C on transcript NM_005297.4 (MANE Select); 129 bases upstream of the start codon, G replaced by C.
Molecular consequence: 5 prime UTR variant.
Genome position (GRCh38, 1-based): chr22:40,679,524, G>C. VCF-style: chr22-40679524-G-C. GRCh37 (hg19) VCF-style: chr22-41075528-G-C.
Identifiers: ClinVar variation 2409560 (VCV002409560.4), dbSNP rs565709738, ClinGen allele CA10250088.

ClinVar aggregate classification (germline): Uncertain significance. Review status: criteria provided, single submitter (1 of 4 stars). 2 submissions from 2 submitters: Uncertain significance (1). 1 of the submissions does not count toward it. Last evaluated 2025-01-27.

Conditions:
MCHR1-related disorder. Also called: MCHR1-related condition.

Allele frequency attached by ClinVar (database versions not stated): ExAC 0.00001; gnomAD 0.00001; gnomAD exomes 0.00001; 1000 Genomes Project 30x 0.00016; 1000 Genomes Project 0.00020.
gnomAD v4.1: 10 of 1,613,994 alleles (0.00062%); highest among the groups gnomAD compares: African/African-American, 0.012%; no homozygotes.

Submissions (2):

Ambry Genetics
Classification: Uncertain significance. Last evaluated: 2025-01-27. Review status: criteria provided, single submitter. Criteria: Ambry Variant Classification Scheme 2023. Collection method: clinical testing. Allele origin: germline.

PreventionGenetics, part of Exact Sciences
Classification: Uncertain significance for MCHR1-related condition. Last evaluated: 2024-05-21. Review status: no assertion criteria provided. Collection method: clinical testing. Allele origin: germline. Not counted in ClinVar's aggregate classification.
Comment: The MCHR1 c.79G>C variant is predicted to result in the amino acid substitution p.Glu27Gln. To our knowledge, this variant has not been reported in the literature. This variant is reported in 0.0062% of alleles in individuals of African descent in gnomAD. At this time, the clinical significance of this variant is uncertain due to the absence of conclusive functional and genetic evidence.